The following is an entry in ClinVar:

NM_031885.5(BBS2):c.1985G>A (p.Cys662Tyr)

Gene: BBS2 (Bardet-Biedl syndrome 2; minus strand). Cytogenetic location: 16q13.
Variant type: single nucleotide variant.
Coding change: c.1985G>A on transcript NM_031885.5 (MANE Select); coding-DNA position 1985, G replaced by A.
Protein change: p.Cys662Tyr; replaces cysteine 662 with tyrosine.
Molecular consequence: missense variant. On other transcripts: non-coding transcript variant (5).
Genome position (GRCh38, 1-based): chr16:56,485,664, C>T on the plus strand (G>A on the coding strand, the complement: BBS2 is on the minus strand). VCF-style: chr16-56485664-C-T. GRCh37 (hg19) VCF-style: chr16-56519576-C-T.
Other names: c.1985G>A, p.Cys662Tyr (NM_001377456.1); short protein forms C662Y.
Identifiers: ClinVar variation 5002282 (VCV005002282.1).

ClinVar aggregate classification (germline): Uncertain significance (1 of 4 stars; one submission).

Conditions:
BBS2-related disorder. Also called: BBS2-related disorders; BBS2-related condition. Identifiers: MedGen CN239228.

gnomAD v4.1: 1 of 1,614,064 alleles (0.000062%); highest among the groups gnomAD compares: South Asian, 0.0011%; no homozygotes.

Submission:

PreventionGenetics, part of Exact Sciences
Classification: Uncertain significance for BBS2-related condition. Last evaluated: 2025-02-19. Review status: criteria provided, single submitter. Criteria: ACMG Guidelines, 2015. Collection method: clinical testing. Allele origin: germline.
Comment: The BBS2 c.1985G>A variant is predicted to result in the amino acid substitution p.Cys662Tyr. To our knowledge, this variant has not been reported in the literature or in a large population database (gnomAD), indicating this variant is rare. At this time, the clinical significance of this variant is uncertain due to the absence of conclusive functional and genetic evidence.